The following is an entry in ClinVar:

ClinVar aggregate classification (germline): Uncertain significance. Review status: criteria provided, multiple submitters, no conflicts (2 of 4 stars). 2 submissions from 2 submitters: Uncertain significance (2). Last evaluated 2025-03-19.

Submissions (2):

Labcorp Genetics (formerly Invitae), Labcorp
Classification: Uncertain significance. Last evaluated: 2025-03-19. Review status: criteria provided, single submitter. Criteria: Invitae Variant Classification Sherloc (09022015). Collection method: clinical testing. Allele origin: germline.
Comment: This sequence change replaces proline, which is neutral and non-polar, with serine, which is neutral and polar, at codon 518 of the COL4A1 protein (p.Pro518Ser). This variant is not present in population databases (gnomAD no frequency). This variant has not been reported in the literature in individuals affected with COL4A1-related conditions. ClinVar contains an entry for this variant (Variation ID: 1402424). Invitae Evidence Modeling of protein sequence and biophysical properties (such as structural, functional, and spatial information, amino acid conservation, physicochemical variation, residue mobility, and thermodynamic stability) indicates that this missense variant is not expected to disrupt COL4A1 protein function with a negative predictive value of 95%. In summary, the available evidence is currently insufficient to determine the role of this variant in disease. Therefore, it has been classified as a Variant of Uncertain Significance.

Revvity Omics, Revvity
Classification: Uncertain significance. Last evaluated: 2023-11-29. Review status: criteria provided, single submitter. Criteria: ACMG Guidelines, 2015. Collection method: clinical testing. Allele origin: germline.

NM_001845.6(COL4A1):c.1552C>T (p.Pro518Ser)

Gene: COL4A1 (collagen type IV alpha 1 chain; minus strand). Cytogenetic location: 13q34.
Variant type: single nucleotide variant.
Coding change: c.1552C>T on transcript NM_001845.6 (MANE Select); coding-DNA position 1552, C replaced by T.
Protein change: p.Pro518Ser; replaces proline 518 with serine.
Molecular consequence: missense variant.
Genome position (GRCh38, 1-based): chr13:110,187,314, G>A on the plus strand (C>T on the coding strand, the complement: COL4A1 is on the minus strand). VCF-style: chr13-110187314-G-A. GRCh37 (hg19) VCF-style: chr13-110839661-G-A.
Other names: short protein forms P518S.
Identifiers: ClinVar variation 1402424 (VCV001402424.7), dbSNP rs1476264391, ClinGen allele CA388723209.